The following is an entry in ClinVar:

NM_000098.3(CPT2):c.707C>T (p.Thr236Ile)

Gene: CPT2 (carnitine palmitoyltransferase 2; plus strand). Cytogenetic location: 1p32.3.
Variant type: single nucleotide variant.
Coding change: c.707C>T on transcript NM_000098.3 (MANE Select); coding-DNA position 707, C replaced by T.
Protein change: p.Thr236Ile; replaces threonine 236 with isoleucine.
Molecular consequence: missense variant.
Genome position (GRCh38, 1-based): chr1:53,210,381, C>T. VCF-style: chr1-53210381-C-T. GRCh37 (hg19) VCF-style: chr1-53676053-C-T.
Other names: p.Thr236Ile; c.707C>T, p.Thr236Ile (NM_001330589.2); short protein forms T236I.
Identifiers: ClinVar variation 1395017 (VCV001395017.6), dbSNP rs1645414982, ClinGen allele CA340393393.

ClinVar aggregate classification (germline): Uncertain significance. Review status: criteria provided, multiple submitters, no conflicts (2 of 4 stars). 2 submissions from 2 submitters: Uncertain significance (2). Last evaluated 2023-02-24.

Conditions:
Carnitine palmitoyltransferase II deficiency. Also called: Carnitine Palmitoyltransferase 2 Deficiency. Identifiers: Orphanet 157, MedGen C0342790, MONDO:0015515.

Allele frequency attached by ClinVar (database versions not stated): gnomAD exomes below 0.00001; TOPMed below 0.00001; gnomAD 0.00001.
gnomAD v4.1: 2 of 1,614,018 alleles (0.00012%); highest among the groups gnomAD compares: Non-Finnish European, 0.00017%; no homozygotes.

Submissions (2):

Mayo Clinic Laboratories, Mayo Clinic
Classification: Uncertain significance. Last evaluated: 2023-02-24. Review status: criteria provided, single submitter. Criteria: ACMG Guidelines, 2015. Collection method: clinical testing. Allele origin: germline. Observed: 1 variant allele.
Comment: PM2_supporting

Labcorp Genetics (formerly Invitae), Labcorp
Classification: Uncertain significance for Carnitine palmitoyltransferase II deficiency. Last evaluated: 2021-10-14. Review status: criteria provided, single submitter. Criteria: Invitae Variant Classification Sherloc (09022015). Collection method: clinical testing. Allele origin: germline.
Comment: This sequence change replaces threonine with isoleucine at codon 236 of the CPT2 protein (p.Thr236Ile). The threonine residue is highly conserved and there is a moderate physicochemical difference between threonine and isoleucine. This variant is not present in population databases (ExAC no frequency). This variant has not been reported in the literature in individuals affected with CPT2-related conditions. Advanced modeling of protein sequence and biophysical properties (such as structural, functional, and spatial information, amino acid conservation, physicochemical variation, residue mobility, and thermodynamic stability) performed at Invitae indicates that this missense variant is not expected to disrupt CPT2 protein function. In summary, the available evidence is currently insufficient to determine the role of this variant in disease. Therefore, it has been classified as a Variant of Uncertain Significance.